The following is an entry in ClinVar:

ClinVar aggregate classification (germline): Conflicting classifications of pathogenicity. Review status: criteria provided, conflicting classifications (1 of 4 stars). 2 submissions from 2 submitters: Uncertain significance (1); Likely benign (1). Last evaluated 2024-08-26.

Conditions:
Hereditary breast ovarian cancer syndrome. Also called: Hereditary breast and ovarian cancer; Hereditary breast and/or ovarian cancer syndrome; Hereditary breast and ovarian cancer syndrome (HBOC); Breast and ovarian cancer; Hereditary breast and ovarian cancer syndrome; BRCA1- and BRCA2-Associated Hereditary Breast and Ovarian Cancer. Identifiers: Orphanet 145, MedGen C0677776, MeSH D061325, MONDO:0003582. Disease mechanism: loss of function.

Submissions (2):

Quest Diagnostics Nichols Institute San Juan Capistrano
Classification: Uncertain significance. Last evaluated: 2024-08-26. Review status: criteria provided, single submitter. Criteria: Quest Diagnostics criteria. Collection method: clinical testing. Allele origin: unknown.
Comment: The BRCA1 c.4755A>C (p.Pro1585=) synonymous variant has not been reported in individuals with BRCA1-related conditions in the published literature. It also has not been reported in large, multi-ethnic general populations (Genome Aggregation Database). Analysis of this variant using software algorithms for the prediction of the effect of nucleotide changes on splicing yielded predictions that this variant does not affect BRCA1 mRNA splicing. Based on the available information, we are unable to determine the clinical significance of this variant.

Labcorp Genetics (formerly Invitae), Labcorp
Classification: Likely benign for Hereditary breast ovarian cancer syndrome. Last evaluated: 2022-08-23. Review status: criteria provided, single submitter. Criteria: Invitae Variant Classification Sherloc (09022015). Collection method: clinical testing. Allele origin: germline.

NM_007294.4(BRCA1):c.4755A>C (p.Pro1585=)

Gene: BRCA1 (BRCA1 DNA repair associated; minus strand). Cytogenetic location: 17q21.31.
Variant type: single nucleotide variant.
Coding change: c.4755A>C on transcript NM_007294.4 (MANE Select); coding-DNA position 4755, A replaced by C.
Protein change: p.Pro1585=; no amino-acid change (proline 1585 retained).
Molecular consequence: synonymous variant. On other transcripts: intron variant (1).
Genome position (GRCh38, 1-based): chr17:43,071,159, T>G on the plus strand (A>C on the coding strand, the complement: BRCA1 is on the minus strand). VCF-style: chr17-43071159-T-G. GRCh37 (hg19) VCF-style: chr17-41223176-T-G.
Other names: c.1443A>C, p.Pro481= (NM_001407980.1, NM_001407981.1, NM_001407982.1 and 13 more transcripts); c.1440A>C, p.Pro480= (NM_001408392.1, NM_001408396.1, NM_001408397.1 and 8 more transcripts); c.1368A>C, p.Pro456= (NM_001408411.1); c.1365A>C, p.Pro455= (NM_001408412.1, NM_001408413.1, NM_001408414.1 and 2 more transcripts); c.1329A>C, p.Pro443= (NM_001408420.1, NM_001408418.1, NM_001408419.1); c.1326A>C, p.Pro442= (NM_001408421.1, NM_001408422.1, NM_001408423.1 and 1 more transcripts); c.1437A>C, p.Pro479= (NM_001408406.1, NM_001408407.1, NM_001408408.1); c.1323A>C, p.Pro441= (NM_001408425.1, NM_001408426.1, NM_001408427.1 and 4 more transcripts); and 71 more.
Identifiers: ClinVar variation 1099094 (VCV001099094.11), dbSNP rs2153871795, ClinGen allele CA500231863.